The following is an entry in ClinVar:

NC_000001.10:g.(?_220088791)_(220406225_?)dup

Genes: MIR194-1 (microRNA 194-1; minus strand), SLC30A10 (solute carrier family 30 member 10; minus strand), BPNT1 (3'(2'), 5'-bisphosphate nucleotidase 1; minus strand), MIR215 (microRNA 215; minus strand), EPRS1 (glutamyl-prolyl-tRNA synthetase 1; minus strand) and 2 more. Cytogenetic location: 1q41.
Variant type: Duplication.
Identifiers: ClinVar variation 2425803 (VCV002425803.3).

ClinVar aggregate classification (germline): Uncertain significance (1 of 4 stars; one submission).

Conditions:
Warburg micro syndrome 2 (WARBM2). Also called: MICRO SYNDROME 2. Identifiers: Orphanet 2510, MedGen C3280214, MONDO:0013641, OMIM 614225.
Martsolf syndrome (MARTS). Also called: Congenital cataract with intellectual disability and hypogonadotropic hypogonadism syndrome. Identifiers: Orphanet 1387, MedGen C0796037, MONDO:0023910.

Submission:

Labcorp Genetics (formerly Invitae), Labcorp
Classification: Uncertain significance for Martsolf syndrome; Warburg micro syndrome 2. Last evaluated: 2021-12-01. Review status: criteria provided, single submitter. Criteria: Invitae Variant Classification Sherloc (09022015). Collection method: clinical testing. Allele origin: germline.
Comment: This variant results in a copy number gain of the genomic region encompassing exon(s) 2-35 of the RAB3GAP2 gene. This region includes the termination codon of the gene. This copy number gain extends beyond the assayed region for this gene and therefore may encompass additional genes. As the precise location of this event is unknown, it may be in tandem or it may be located elsewhere in the genome. This variant has not been reported in the literature in individuals affected with RAB3GAP2-related conditions. Experimental studies and prediction algorithms are not available or were not evaluated, and the functional significance of this variant is currently unknown. In summary, the available evidence is currently insufficient to determine the role of this variant in disease. Therefore, it has been classified as a Variant of Uncertain Significance.